The following is an entry in ClinVar:

ClinVar aggregate classification (germline): Likely pathogenic. Review status: criteria provided, single submitter (1 of 4 stars). 2 submissions from 2 submitters: Likely pathogenic (1). 1 of the submissions does not count toward it. Last evaluated 2023-08-01.

Conditions:
Ciliary dyskinesia, primary, 49, without situs inversus (CILD49). Identifiers: MedGen C5774291, MONDO:0859353, OMIM 620197.

Submissions (2):

CeGaT Center for Human Genetics Tuebingen
Classification: Likely pathogenic. Last evaluated: 2023-08-01. Review status: criteria provided, single submitter. Criteria: CeGaT Center For Human Genetics Tuebingen Variant Classification Criteria Version 2. Collection method: clinical testing. Allele origin: germline. Affected: yes. Observed: 1 variant allele.
Comment: CFAP74: PM2, PM3, PVS1:Moderate

OMIM
Classification: Pathogenic for CILIARY DYSKINESIA, PRIMARY, 49, WITHOUT SITUS INVERSUS. Last evaluated: 2023-01-12. Review status: no assertion criteria provided. Collection method: literature only. Allele origin: germline. Not counted in ClinVar's aggregate classification.

Literature cited by the submitters: PubMed 36047773 (cited by OMIM).

NM_001304360.2(CFAP74):c.1706dup (p.Gly570fs)

Gene: CFAP74 (cilia and flagella associated protein 74; minus strand). Cytogenetic location: 1p36.33.
Variant type: Duplication.
Coding change: c.1706dup on transcript NM_001304360.2 (MANE Select); coding-DNA position 1706, one base duplicated (C; older notation c.1706dupC).
Protein change: p.Gly570fs; shifts the reading frame from glycine 570.
Molecular consequence: frameshift variant.
Genome position (GRCh38, 1-based): chr1:1,960,019, G duplicated on the plus strand (C on the coding strand, the reverse complement: CFAP74 is on the minus strand); the first of 6 consecutive G bases (chr1:1,960,019-1,960,024); duplicating any one gives the same sequence. VCF-style (leftmost placement, unchanged base first): chr1-1960018-A-AG. GRCh37 (hg19) VCF-style: chr1-1891457-A-AG.
Other names: short protein forms G570fs.
Identifiers: ClinVar variation 2443737 (VCV002443737.26), dbSNP rs761237701, ClinGen allele CA533596.
Genomic context (GRCh38, chr1:1,960,018, plus strand): 5'-ACTCACCATCGGCTTGAAGGTGACAAGCACTTCACAGGACATTCCGGCTGACAGGGGGCC[A>AG]GGGGGGTCAAAGCTGCAGGACGTGACCCATAGCACACGGGGGTTAGTGCTGCGGAGGGCA-3'